The following is an entry in ClinVar:

NM_020795.4(NLGN2):c.2455G>T (p.Ala819Ser)

Gene: NLGN2 (neuroligin 2; plus strand). Cytogenetic location: 17p13.1.
Variant type: single nucleotide variant.
Coding change: c.2455G>T on transcript NM_020795.4 (MANE Select); coding-DNA position 2455, G replaced by T.
Protein change: p.Ala819Ser; replaces alanine 819 with serine.
Molecular consequence: missense variant.
Genome position (GRCh38, 1-based): chr17:7,417,746, G>T. VCF-style: chr17-7417746-G-T. GRCh37 (hg19) VCF-style: chr17-7321065-G-T.
Other names: short protein forms A819S.
Identifiers: ClinVar variation 3029306 (VCV003029306.2), dbSNP rs1309189385, ClinGen allele CA397836627.
Genomic context (GRCh38, chr17:7,417,746, plus strand): 5'-CCACCCCCACCGCCCCCCTCCCTTCATCCCTTCGGGCCCTTCCCCCCGCCCCCTCCCACC[G>T]CCACCAGCCACAACAACACGCTACCCCACCCCCACTCCACCACTCGGGTATAGGGGGTGG-3'
Protein context (NP_065846.1, residues 809-829): FGPFPPPPPT[Ala819Ser]TSHNNTLPHP

ClinVar aggregate classification (germline): Likely benign (0 of 4 stars; one submission).

Conditions:
NLGN2-related disorder. Also called: NLGN2-related condition.

gnomAD v4.1: 16 of 882,186 alleles (0.0018%); highest among the groups gnomAD compares: East Asian, 0.085%; no homozygotes.

Submission:

PreventionGenetics, part of Exact Sciences
Classification: Likely benign for NLGN2-related condition. Last evaluated: 2023-02-20. Review status: no assertion criteria provided. Collection method: clinical testing. Allele origin: germline.
Comment: This variant is classified as likely benign based on ACMG/AMP sequence variant interpretation guidelines (Richards et al. 2015 PMID: 25741868, with internal and published modifications).